The following is an entry in ClinVar:

ClinVar aggregate classification (germline): Uncertain significance. Review status: criteria provided, multiple submitters, no conflicts (2 of 4 stars). 2 submissions from 2 submitters: Uncertain significance (2). Last evaluated 2025-08-19.

Conditions:
Inborn genetic diseases. Identifiers: MedGen C0950123, MeSH D030342.
Methylmalonic acidemia with homocystinuria, type cblJ (MAHCJ). Also called: METHYLMALONIC ACIDURIA AND HOMOCYSTINURIA, cblJ TYPE. Identifiers: Orphanet 369955, MedGen C3553915, MONDO:0013925, OMIM 614857.

Allele frequency attached by ClinVar (database versions not stated): ExAC 0.00001; gnomAD exomes 0.00001; TOPMed 0.00001.

Submissions (2):

Ambry Genetics
Classification: Uncertain significance for Inborn genetic diseases. Last evaluated: 2025-08-19. Review status: criteria provided, single submitter. Criteria: Ambry Variant Classification Scheme 2023. Collection method: clinical testing. Allele origin: germline.

Labcorp Genetics (formerly Invitae), Labcorp
Classification: Uncertain significance for Methylmalonic acidemia with homocystinuria, type cblJ. Last evaluated: 2025-03-17. Review status: criteria provided, single submitter. Criteria: Invitae Variant Classification Sherloc (09022015). Collection method: clinical testing. Allele origin: germline.
Comment: This sequence change replaces arginine, which is basic and polar, with glycine, which is neutral and non-polar, at codon 252 of the ABCD4 protein (p.Arg252Gly). This variant is present in population databases (rs768938280, gnomAD 0.006%). This variant has not been reported in the literature in individuals affected with ABCD4-related conditions. ClinVar contains an entry for this variant (Variation ID: 2041461). Invitae Evidence Modeling of protein sequence and biophysical properties (such as structural, functional, and spatial information, amino acid conservation, physicochemical variation, residue mobility, and thermodynamic stability) indicates that this missense variant is expected to disrupt ABCD4 protein function with a positive predictive value of 95%. In summary, the available evidence is currently insufficient to determine the role of this variant in disease. Therefore, it has been classified as a Variant of Uncertain Significance.

NM_005050.4(ABCD4):c.754A>G (p.Arg252Gly)

Gene: ABCD4 (ATP binding cassette subfamily D member 4; minus strand). Cytogenetic location: 14q24.3.
Variant type: single nucleotide variant.
Coding change: c.754A>G on transcript NM_005050.4 (MANE Select); coding-DNA position 754, A replaced by G.
Protein change: p.Arg252Gly; replaces arginine 252 with glycine.
Molecular consequence: missense variant. On other transcripts: non-coding transcript variant (6), intron variant (9).
Genome position (GRCh38, 1-based): chr14:74,293,214, T>C on the plus strand (A>G on the coding strand, the complement: ABCD4 is on the minus strand). VCF-style: chr14-74293214-T-C. GRCh37 (hg19) VCF-style: chr14-74759917-T-C.
Other names: c.754A>G (NM_005050.3); c.628A>G, p.Arg210Gly (NM_001353591.2, NM_001353592.2); c.493A>G, p.Arg165Gly (NM_001353593.2); c.442A>G, p.Arg148Gly (NM_001353594.2); c.340A>G, p.Arg114Gly (NM_001353595.2, NM_001353596.2); c.289A>G, p.Arg97Gly (NM_001353597.2); c.277A>G, p.Arg93Gly (NM_001353598.2, NM_001353599.2, NM_001353600.2 and 2 more transcripts); c.625A>G, p.Arg209Gly (NM_020323.1); and 2 more; short protein forms R114G, R165G, R252G, R97G, R148G, R209G, R210G, R93G.
Identifiers: ClinVar variation 2041461 (VCV002041461.3), dbSNP rs768938280, ClinGen allele CA7267068.